The following is an entry in ClinVar:

NM_001387283.1(SMARCA4):c.4186G>T (p.Asp1396Tyr)

Gene: SMARCA4 (SWI/SNF related BAF chromatin remodeling complex subunit ATPase 4; plus strand). Cytogenetic location: 19p13.2.
Variant type: single nucleotide variant.
Coding change: c.4186G>T on transcript NM_001387283.1 (MANE Plus Clinical); coding-DNA position 4186, G replaced by T.
Protein change: p.Asp1396Tyr; replaces aspartic acid 1396 with tyrosine.
Molecular consequence: missense variant. On other transcripts: intron variant (7).
Genome position (GRCh38, 1-based): chr19:11,039,473, G>T. VCF-style: chr19-11039473-G-T. GRCh37 (hg19) VCF-style: chr19-11150149-G-T.
Other names: c.4186G>T, p.Asp1396Tyr (NM_001128849.3); c.4171-1834G>T (NM_001128844.3, NM_003072.5); c.4072-1834G>T (NM_001128847.4, NM_001374457.1, NM_001128848.2); c.4072-1825G>T (NM_001128845.2, NM_001128846.2); short protein forms D1396Y.
Identifiers: ClinVar variation 484854 (VCV000484854.13), dbSNP rs1555787123, ClinGen allele CA404071137.
Genomic context (GRCh38, chr19:11,039,473, plus strand): 5'-TTGTGCACTGAAACACTAAACAGACATTAAAAAATTTTGTTGTAGAAAATTACAGGAAAA[G>T]ATATCCATGACACAGCCAGCAGTGTGGCACGTGGGCTACAATTCCAGCGTGGCCTTCAGT-3'
Protein context (NP_001374212.1, residues 1386-1406): KQWLKKITGK[Asp1396Tyr]IHDTASSVAR

ClinVar aggregate classification (germline): Conflicting classifications of pathogenicity. Review status: criteria provided, conflicting classifications (1 of 4 stars). 2 submissions from 2 submitters: Uncertain significance (1); Likely benign (1). Last evaluated 2025-01-16.

Conditions:
Rhabdoid tumor predisposition syndrome 2 (RTPS2). Identifiers: Orphanet 231108, Orphanet 69077, MedGen C2750074, MONDO:0013224, OMIM 613325.
Hereditary cancer-predisposing syndrome. Also called: Neoplastic Syndromes, Hereditary; Tumor predisposition; Hereditary Cancer Syndrome; Hereditary neoplastic syndrome. Identifiers: Orphanet 140162, MedGen C0027672, MeSH D009386, MONDO:0015356.

Allele frequency attached by ClinVar (database versions not stated): gnomAD exomes below 0.00001.
gnomAD v4.1: 6 of 1,597,938 alleles (0.00038%); highest among the groups gnomAD compares: Non-Finnish European, 0.00051%; no homozygotes.

Submissions (2):

Labcorp Genetics (formerly Invitae), Labcorp
Classification: Uncertain significance for Rhabdoid tumor predisposition syndrome 2. Last evaluated: 2025-01-16. Review status: criteria provided, single submitter. Criteria: Invitae Variant Classification Sherloc (09022015). Collection method: clinical testing. Allele origin: germline.
Comment: This sequence change replaces aspartic acid, which is acidic and polar, with tyrosine, which is neutral and polar, at codon 1396 of the SMARCA4 protein (p.Asp1396Tyr). This variant is not present in population databases (gnomAD no frequency). This variant has not been reported in the literature in individuals affected with SMARCA4-related conditions. ClinVar contains an entry for this variant (Variation ID: 484854). An algorithm developed to predict the effect of missense changes on protein structure and function (PolyPhen-2) suggests that this variant is likely to be tolerated. Algorithms developed to predict the effect of sequence changes on RNA splicing suggest that this variant may disrupt the consensus splice site. In summary, the available evidence is currently insufficient to determine the role of this variant in disease. Therefore, it has been classified as a Variant of Uncertain Significance.

Ambry Genetics
Classification: Likely benign for Hereditary cancer-predisposing syndrome. Last evaluated: 2022-09-22. Review status: criteria provided, single submitter. Criteria: Ambry Variant Classification Scheme 2023. Collection method: clinical testing. Allele origin: germline.